The following is an entry in ClinVar:

NM_138295.5(PKD1L1):c.7190C>T (p.Ser2397Leu)

Genes: PKD1L1 (polycystin 1 like 1, transient receptor potential channel interacting; minus strand), PKD1L1-AS1 (PKD1L1 antisense RNA 1; plus strand). Cytogenetic location: 7p12.3.
Variant type: single nucleotide variant.
Coding change: c.7190C>T on transcript NM_138295.5 (MANE Select); coding-DNA position 7190, C replaced by T.
Protein change: p.Ser2397Leu; replaces serine 2397 with leucine.
Molecular consequence: missense variant.
Genome position (GRCh38, 1-based): chr7:47,813,277, G>A on the plus strand (C>T on the coding strand, the complement: PKD1L1 is on the minus strand). VCF-style: chr7-47813277-G-A. GRCh37 (hg19) VCF-style: chr7-47852875-G-A.
Other names: short protein forms S2397L.
Identifiers: ClinVar variation 3932896 (VCV003932896.2).

ClinVar aggregate classification (germline): Uncertain significance. Review status: criteria provided, multiple submitters, no conflicts (2 of 4 stars). 2 submissions from 2 submitters: Uncertain significance (2). Last evaluated 2026-06-12.

Conditions:
PKD1L1-related disorder. Also called: PKD1L1-related condition.
Inborn genetic diseases. Identifiers: MedGen C0950123, MeSH D030342.

gnomAD v4.1: 8 of 1,614,164 alleles (0.0005%); highest among the groups gnomAD compares: Admixed American, 0.013%; no homozygotes.

Submissions (2):

PreventionGenetics, part of Exact Sciences
Classification: Uncertain significance for PKD1L1-related condition. Last evaluated: 2026-06-12. Review status: criteria provided, single submitter. Criteria: ACMG Guidelines, 2015. Collection method: clinical testing. Allele origin: germline.
Comment: The PKD1L1 c.7190C>T variant is predicted to result in the amino acid substitution p.Ser2397Leu. To our knowledge, this variant has not been reported in the literature. This variant is reported in 0.020% of alleles in individuals of Latino descent in gnomAD. At this time, the clinical significance of this variant is uncertain due to the absence of conclusive functional and genetic evidence.

Ambry Genetics
Classification: Uncertain significance for Inborn genetic diseases. Last evaluated: 2025-05-30. Review status: criteria provided, single submitter. Criteria: Ambry Variant Classification Scheme 2023. Collection method: clinical testing. Allele origin: germline.